The following is an entry in ClinVar:

NM_058216.3(RAD51C):c.1080del (p.Gly361fs)

Gene: RAD51C (RAD51 paralog C; plus strand). Cytogenetic location: 17q22.
Variant type: Deletion.
Coding change: c.1080del on transcript NM_058216.3 (MANE Select); coding-DNA position 1080, one base deleted (A; older notation c.1080delA).
Protein change: p.Gly361fs; shifts the reading frame from glycine 361.
Molecular consequence: frameshift variant. On other transcripts: non-coding transcript variant (1).
Genome position (GRCh38, 1-based): chr17:58,734,171, A deleted; the last of 2 consecutive A bases (chr17:58,734,170-58,734,171); deleting either gives the same sequence. VCF-style (leftmost placement, unchanged base first): chr17-58734169-GA-G. GRCh37 (hg19) VCF-style: chr17-56811530-GA-G.
Other names: c.*508delA (NM_058217.1); short protein forms G361fs.
Identifiers: ClinVar variation 2853070 (VCV002853070.3), dbSNP rs2509369753, ClinGen allele CA2739268270.
Genomic context (GRCh38, chr17:58,734,169, plus strand): 5'-ATCTTTCAGCCTCAGGGATTTAGAGATACTGTTGTTACTTCTGCATGTTCATTGCAAACA[GA>G]AGGTTCCTTGAGCACCCGGAAACGGTCACGAGACCCAGAGGAAGAATTATAACCCAGAAA-3'

ClinVar aggregate classification (germline): Likely pathogenic (1 of 4 stars; one submission).

Conditions:
Fanconi anemia complementation group O. Also called: RAD51C-Related Fanconi Anemia. Identifiers: Orphanet 84, MedGen C3150653, MONDO:0013248, OMIM 613390.

Submission:

Labcorp Genetics (formerly Invitae), Labcorp
Classification: Likely pathogenic for Fanconi anemia complementation group O. Last evaluated: 2023-09-21. Review status: criteria provided, single submitter. Criteria: Invitae Variant Classification Sherloc (09022015). Collection method: clinical testing. Allele origin: germline.
Comment: In summary, the currently available evidence indicates that the variant is pathogenic, but additional data are needed to prove that conclusively. Therefore, this variant has been classified as Likely Pathogenic. This variant disrupts the nuclear localization signal (NLS) of the RAD51C protein, which is important for proper localization and function of the RAD51C protein (PMID:12966089). While functional studies have not been performed to directly test the effect of this variant on RAD51C protein function, this suggests that disruption of this region of the protein is causative of disease. This variant has not been reported in the literature in individuals affected with RAD51C-related conditions. This variant is not present in population databases (gnomAD no frequency). This sequence change creates a premature translational stop signal (p.Gly361Valfs*3) in the RAD51C gene. While this is not anticipated to result in nonsense mediated decay, it is expected to disrupt the last 16 amino acid(s) of the RAD51C protein.

Literature cited by the submitters: PubMed 12966089.